The following is an entry in ClinVar:

NM_138420.4(AHNAK2):c.4542C>A (p.Ala1514=)

Gene: AHNAK2 (AHNAK nucleoprotein 2; minus strand). Cytogenetic location: 14q32.33.
Variant type: single nucleotide variant.
Coding change: c.4542C>A on transcript NM_138420.4 (MANE Select); coding-DNA position 4542, C replaced by A.
Protein change: p.Ala1514=; no amino-acid change (alanine 1514 retained).
Molecular consequence: synonymous variant.
Genome position (GRCh38, 1-based): chr14:104,950,909, G>T on the plus strand (C>A on the coding strand, the complement: AHNAK2 is on the minus strand). VCF-style: chr14-104950909-G-T. GRCh37 (hg19) VCF-style: chr14-105417246-G-T.
Other names: c.4242C>A, p.Ala1414= (NM_001350929.2).
Identifiers: ClinVar variation 5038890 (VCV005038890.1).

ClinVar aggregate classification (germline): Likely benign (1 of 4 stars; one submission).

Submission:

CeGaT Center for Human Genetics Tuebingen
Classification: Likely benign. Last evaluated: 2026-08-01. Review status: criteria provided, single submitter. Criteria: CeGaT Center For Human Genetics Tuebingen Variant Classification Criteria Version 2. Collection method: clinical testing. Allele origin: germline. Affected: yes. Observed: 1 variant allele.
Comment: AHNAK2: BP4, BP7